The following is an entry in ClinVar:

ClinVar aggregate classification (germline): Uncertain significance. Review status: criteria provided, multiple submitters, no conflicts (2 of 4 stars). 2 submissions from 2 submitters: Uncertain significance (2). Last evaluated 2025-01-27.

Conditions:
Aicardi-Goutieres syndrome 4. Identifiers: Orphanet 51, MedGen C1835912, MONDO:0012472, OMIM 610333.

Allele frequency attached by ClinVar (database versions not stated): ExAC 0.00002; gnomAD exomes 0.00002 and 0.00003; gnomAD 0.00003 and 0.00004; TOPMed 0.00003; ESP Exome Variant Server 0.00008.

Submissions (2):

Labcorp Genetics (formerly Invitae), Labcorp
Classification: Uncertain significance for Aicardi-Goutieres syndrome 4. Last evaluated: 2025-01-27. Review status: criteria provided, single submitter. Criteria: Invitae Variant Classification Sherloc (09022015). Collection method: clinical testing. Allele origin: germline.
Comment: This sequence change replaces proline, which is neutral and non-polar, with leucine, which is neutral and non-polar, at codon 173 of the RNASEH2A protein (p.Pro173Leu). This variant is present in population databases (rs369355807, gnomAD 0.01%). This variant has not been reported in the literature in individuals affected with RNASEH2A-related conditions. ClinVar contains an entry for this variant (Variation ID: 848661). Invitae Evidence Modeling of protein sequence and biophysical properties (such as structural, functional, and spatial information, amino acid conservation, physicochemical variation, residue mobility, and thermodynamic stability) has been performed for this missense variant. However, the output from this modeling did not meet the statistical confidence thresholds required to predict the impact of this variant on RNASEH2A protein function. In summary, the available evidence is currently insufficient to determine the role of this variant in disease. Therefore, it has been classified as a Variant of Uncertain Significance.

Blueprint Genetics
Classification: Uncertain significance. Last evaluated: 2019-12-05. Review status: criteria provided, single submitter. Criteria: ACMG Guidelines, 2015. Collection method: clinical testing. Allele origin: germline.

NM_006397.3(RNASEH2A):c.518C>T (p.Pro173Leu)

Gene: RNASEH2A (ribonuclease H2 subunit A; plus strand). Cytogenetic location: 19p13.13.
Variant type: single nucleotide variant.
Coding change: c.518C>T on transcript NM_006397.3 (MANE Select); coding-DNA position 518, C replaced by T.
Protein change: p.Pro173Leu; replaces proline 173 with leucine.
Molecular consequence: missense variant.
Genome position (GRCh38, 1-based): chr19:12,810,177, C>T. VCF-style: chr19-12810177-C-T. GRCh37 (hg19) VCF-style: chr19-12920991-C-T.
Other names: short protein forms P173L.
Identifiers: ClinVar variation 848661 (VCV000848661.7), dbSNP rs369355807, ClinGen allele CA9231923.